The following is an entry in ClinVar:

ClinVar aggregate classification (germline): Benign. Review status: criteria provided, multiple submitters, no conflicts (2 of 4 stars). 7 submissions from 7 submitters: Benign (6). 1 of the submissions does not count toward it. Last evaluated 2026-02-01.

Conditions:
GPIHBP1-related disorder. Also called: GPIHBP1-related condition.
Cardiovascular phenotype. Identifiers: MedGen CN230736.

Allele frequency attached by ClinVar (database versions not stated): gnomAD exomes 0.00484 and 0.01267; ExAC 0.01511; gnomAD 0.04620 and 0.04971; 1000 Genomes Project 0.04812; 1000 Genomes Project 30x 0.04997; ESP Exome Variant Server 0.05029; TOPMed 0.05291.

Submissions (7):

Labcorp Genetics (formerly Invitae), Labcorp
Classification: Benign. Last evaluated: 2026-02-01. Review status: criteria provided, single submitter. Criteria: Invitae Variant Classification Sherloc (09022015). Collection method: clinical testing. Allele origin: germline.

Molecular Diagnostic Laboratory for Inherited Cardiovascular Disease, Montreal Heart Institute
Classification: Benign. Last evaluated: 2025-04-09. Review status: criteria provided, single submitter. Criteria: ACMG Guidelines, 2015. Collection method: clinical testing. Allele origin: germline. Affected: no.

Mayo Clinic Laboratories, Mayo Clinic
Classification: Benign. Last evaluated: 2023-08-17. Review status: criteria provided, single submitter. Criteria: ACMG Guidelines, 2015. Collection method: clinical testing. Allele origin: germline. Observed: 3 variant alleles.
Comment: BA1, BP4

GeneDx
Classification: Benign. Last evaluated: 2019-07-16. Review status: criteria provided, single submitter. Criteria: GeneDx Variant Classification Process June 2021. Collection method: clinical testing. Allele origin: germline. Affected: yes.
Comment: This variant is associated with the following publications: (PMID: 32041611, 22239554)

Ambry Genetics
Classification: Benign for Cardiovascular phenotype. Last evaluated: 2019-03-07. Review status: criteria provided, single submitter. Criteria: Ambry Variant Classification Scheme 2023. Collection method: clinical testing. Allele origin: germline.

Breakthrough Genomics
Classification: Benign. Review status: criteria provided, single submitter. Criteria: ACMG Guidelines, 2015. Collection method: not provided. Allele origin: germline. Inheritance: Autosomal recessive inheritance. Affected: yes.

PreventionGenetics, part of Exact Sciences
Classification: Benign for GPIHBP1-related condition. Last evaluated: 2019-03-29. Review status: no assertion criteria provided. Collection method: clinical testing. Allele origin: germline. Not counted in ClinVar's aggregate classification.
Comment: This variant is classified as benign based on ACMG/AMP sequence variant interpretation guidelines (Richards et al. 2015 PMID: 25741868, with internal and published modifications).

Literature cited by the submitters: PubMed 22239554 (cited by Mayo Clinic Laboratories, Mayo Clinic).

NM_178172.6(GPIHBP1):c.431C>T (p.Ser144Phe)

Gene: GPIHBP1 (glycosylphosphatidylinositol anchored high density lipoprotein binding protein 1; plus strand). Cytogenetic location: 8q24.3.
Variant type: single nucleotide variant.
Coding change: c.431C>T on transcript NM_178172.6 (MANE Select); coding-DNA position 431, C replaced by T.
Protein change: p.Ser144Phe; replaces serine 144 with phenylalanine.
Molecular consequence: missense variant. On other transcripts: intron variant (1).
Genome position (GRCh38, 1-based): chr8:143,215,394, C>T. VCF-style: chr8-143215394-C-T. GRCh37 (hg19) VCF-style: chr8-144297269-C-T.
Other names: p.Ser144Phe; c.375+56C>T (NM_001301772.2); short protein forms S144F.
Identifiers: ClinVar variation 1266579 (VCV001266579.17), dbSNP rs78367243, ClinGen allele CA4907125.
Genomic context (GRCh38, chr8:143,215,394, plus strand): 5'-CCCAGGTGACCATGACCTGCTGCCAGTCCAGCCTGTGCAATGTCCCACCCTGGCAAAGCT[C>T]CCGAGTCCAGGACCCAACAGGCAAGGGGGCAGGCGGCCCCCGGGGCAGCTCCGAAACTGT-3'
Protein context (NP_835466.2, residues 134-154): SLCNVPPWQS[Ser144Phe]RVQDPTGKGA